The following is an entry in ClinVar:

ClinVar aggregate classification (germline): Uncertain significance (1 of 4 stars; one submission).

Conditions:
COG7 congenital disorder of glycosylation (CDG2E). Also called: CONGENITAL DISORDER OF GLYCOSYLATION, TYPE IIe; CDG IIe. Identifiers: Orphanet 79333, MedGen C2931010, MONDO:0012118, OMIM 608779.

Allele frequency attached by ClinVar (database versions not stated): gnomAD exomes below 0.00001; gnomAD 0.00001; TOPMed 0.00003.
gnomAD v4.1: 7 of 1,614,050 alleles (0.00043%); highest among the groups gnomAD compares: Admixed American, 0.0017%; no homozygotes.

Submission:

Labcorp Genetics (formerly Invitae), Labcorp
Classification: Uncertain significance for COG7 congenital disorder of glycosylation. Last evaluated: 2021-08-31. Review status: criteria provided, single submitter. Criteria: Invitae Variant Classification Sherloc (09022015). Collection method: clinical testing. Allele origin: germline.
Comment: This sequence change replaces arginine with glutamine at codon 568 of the COG7 protein (p.Arg568Gln). The arginine residue is highly conserved and there is a small physicochemical difference between arginine and glutamine. This variant is not present in population databases (ExAC no frequency). This variant has not been reported in the literature in individuals affected with COG7-related conditions. Algorithms developed to predict the effect of missense changes on protein structure and function output the following: SIFT: "Tolerated"; PolyPhen-2: "Benign"; Align-GVGD: "Class C0". The glutamine amino acid residue is found in multiple mammalian species, which suggests that this missense change does not adversely affect protein function. In summary, the available evidence is currently insufficient to determine the role of this variant in disease. Therefore, it has been classified as a Variant of Uncertain Significance.

NM_153603.4(COG7):c.1703G>A (p.Arg568Gln)

Gene: COG7 (component of oligomeric golgi complex 7; minus strand). Cytogenetic location: 16p12.2.
Variant type: single nucleotide variant.
Coding change: c.1703G>A on transcript NM_153603.4 (MANE Select); coding-DNA position 1703, G replaced by A.
Protein change: p.Arg568Gln; replaces arginine 568 with glutamine.
Molecular consequence: missense variant.
Genome position (GRCh38, 1-based): chr16:23,403,794, C>T on the plus strand (G>A on the coding strand, the complement: COG7 is on the minus strand). VCF-style: chr16-23403794-C-T. GRCh37 (hg19) VCF-style: chr16-23415115-C-T.
Other names: short protein forms R568Q.
Identifiers: ClinVar variation 1479174 (VCV001479174.3), dbSNP rs961127814, ClinGen allele CA279511185.
Genomic context (GRCh38, chr16:23,403,794, plus strand): 5'-AGGAACACGGAATCGAAAGCCAGCTGGTGGGCCTGCTGGTTAAGCCGAGTCAGCGCTGCT[C>T]GAGGTGCAGCCAGCAGGTTGTGGTTGCTTGACCCTTTTTCCTAAGACAAGAAAATGCAAA-3'
Protein context (NP_705831.1, residues 558-578): SSNHNLLAAP[Arg568Gln]AALTRLNQQA